The following is an entry in ClinVar:

ClinVar aggregate classification (germline): Uncertain significance. Review status: criteria provided, multiple submitters, no conflicts (2 of 4 stars). 2 submissions from 2 submitters: Uncertain significance (2). Last evaluated 2025-10-08.

Conditions:
ABCA13-related neurodevelopmental condition.

Allele frequency attached by ClinVar (database versions not stated): ExAC 0.00004; gnomAD 0.00004; gnomAD exomes 0.00005.
gnomAD v4.1: 77 of 1,613,746 alleles (0.0048%); highest among the groups gnomAD compares: Middle Eastern, 0.033%; no homozygotes.

Submissions (2):

Applied Translational Genetics Group, University of Auckland
Classification: Uncertain significance for ABCA13-related neurodevelopmental condition. Last evaluated: 2025-10-08. Review status: criteria provided, single submitter. Criteria: ACMG Guidelines, 2015. Collection method: research. Allele origin: maternal. Inheritance: Autosomal recessive inheritance. Affected: yes. Observed: 1 compound heterozygote.
Comment: NM_152701.5:c.4880C>T is a missense mutation in the gene ABCA13 that results in the substitution of alanine for valine at position 1627, both aliphatic non-polar amino acids. There have been reports of enrichments of mutations ABCA13 in autistic individuals (PMID: 38357255), however, a caustive role has not been clearly established. While the variant had a low frequency in the gnomAD population database (max 0.01% in subpopulations) (PM2), there was an individual which harboured the variant in a homozygous state (BS2). In silico prediction aggregation by Revel predicted the variant to be Deleterious (Supporting) (0.71) (PP3). However, there are 3 separate submissions of the variant as benign or likely bening in ClinVar (VCV000778021.15) (BP6), and the variant did not coseggregate in affected family members (BS4). In summary, this variant meets criteria to be classified as benign for ABCA13-related neurodevelopmental condition based on the ACMG/AMP criteria applied: PM2, BS4

Ambry Genetics
Classification: Uncertain significance. Last evaluated: 2024-01-08. Review status: criteria provided, single submitter. Criteria: Ambry Variant Classification Scheme 2023. Collection method: clinical testing. Allele origin: germline.

Literature cited by the submitters: PubMed 40756852 (cited by Applied Translational Genetics Group, University of Auckland).

NM_152701.5(ABCA13):c.4880C>T (p.Ala1627Val)

Gene: ABCA13 (ATP binding cassette subfamily A member 13; plus strand). Cytogenetic location: 7p12.3.
Variant type: single nucleotide variant.
Coding change: c.4880C>T on transcript NM_152701.5 (MANE Select); coding-DNA position 4880, C replaced by T.
Protein change: p.Ala1627Val; replaces alanine 1627 with valine.
Molecular consequence: missense variant.
Genome position (GRCh38, 1-based): chr7:48,274,546, C>T. VCF-style: chr7-48274546-C-T. GRCh37 (hg19) VCF-style: chr7-48314143-C-T.
Other names: short protein forms A1627V.
Identifiers: ClinVar variation 3090728 (VCV003090728.2), dbSNP rs749326271, ClinGen allele CA4257097.